The following is an entry in ClinVar:

ClinVar aggregate classification (germline): Uncertain significance (1 of 4 stars; one submission).

Conditions:
Hereditary cancer-predisposing syndrome. Also called: Neoplastic Syndromes, Hereditary; Tumor predisposition; Hereditary Cancer Syndrome; Hereditary neoplastic syndrome. Identifiers: Orphanet 140162, MedGen C0027672, MeSH D009386, MONDO:0015356.

Submission:

Ambry Genetics
Classification: Uncertain significance for Hereditary cancer-predisposing syndrome. Last evaluated: 2021-10-31. Review status: criteria provided, single submitter. Criteria: Ambry Variant Classification Scheme 2023. Collection method: clinical testing. Allele origin: germline.
Comment: The p.G968R variant (also known as c.2902G>A), located in coding exon 18 of the RAD50 gene, results from a G to A substitution at nucleotide position 2902. The glycine at codon 968 is replaced by arginine, an amino acid with dissimilar properties. This amino acid position is conserved. In addition, this alteration is predicted to be deleterious by in silico analysis. Since supporting evidence is limited at this time, the clinical significance of this alteration remains unclear.

NM_005732.4(RAD50):c.2902G>A (p.Gly968Arg)

Gene: RAD50 (RAD50 double strand break repair protein; plus strand). Cytogenetic location: 5q31.1.
Variant type: single nucleotide variant.
Coding change: c.2902G>A on transcript NM_005732.4 (MANE Select); coding-DNA position 2902, G replaced by A.
Protein change: p.Gly968Arg; replaces glycine 968 with arginine.
Molecular consequence: missense variant.
Genome position (GRCh38, 1-based): chr5:132,609,189, G>A. VCF-style: chr5-132609189-G-A. GRCh37 (hg19) VCF-style: chr5-131944881-G-A.
Other names: short protein forms G968R.
Identifiers: ClinVar variation 1797471 (VCV001797471.2), dbSNP rs2149849723, ClinGen allele CA360959933.